The following is an entry in ClinVar:

NM_024753.5(TTC21B):c.2731C>G (p.Leu911Val)

Gene: TTC21B (tetratricopeptide repeat domain 21B; minus strand). Cytogenetic location: 2q24.3.
Variant type: single nucleotide variant.
Coding change: c.2731C>G on transcript NM_024753.5 (MANE Select); coding-DNA position 2731, C replaced by G.
Protein change: p.Leu911Val; replaces leucine 911 with valine.
Molecular consequence: missense variant.
Genome position (GRCh38, 1-based): chr2:165,901,748, G>C on the plus strand (C>G on the coding strand, the complement: TTC21B is on the minus strand). VCF-style: chr2-165901748-G-C. GRCh37 (hg19) VCF-style: chr2-166758258-G-C.
Other names: short protein forms L911V.
Identifiers: ClinVar variation 1029922 (VCV001029922.3), dbSNP rs112372576, ClinGen allele CA1941744.

ClinVar aggregate classification (germline): Uncertain significance. Review status: criteria provided, multiple submitters, no conflicts (2 of 4 stars). 3 submissions from 3 submitters: Uncertain significance (3). Last evaluated 2025-10-24.

Conditions:
TTC21B-related disorder. Also called: TTC21B-related condition; TTC21B-related disorders.
Nephronophthisis 12 (NPHP12). Identifiers: Orphanet 655, MedGen C3151186, MONDO:0013442, OMIM 613820.

Allele frequency attached by ClinVar (database versions not stated): gnomAD exomes below 0.00001 and 0.00001; ExAC 0.00001; TOPMed 0.00002; gnomAD 0.00003 and 0.00004; ESP Exome Variant Server 0.00008.
gnomAD v4.1: 15 of 1,614,114 alleles (0.00093%); highest among the groups gnomAD compares: African/African-American, 0.011%; no homozygotes.

Submissions (3):

PreventionGenetics, part of Exact Sciences
Classification: Uncertain significance for TTC21B-related condition. Last evaluated: 2025-10-24. Review status: criteria provided, single submitter. Criteria: ACMG Guidelines, 2015. Collection method: clinical testing. Allele origin: germline.
Comment: The TTC21B c.2731C>G variant is predicted to result in the amino acid substitution p.Leu911Val. To our knowledge, this variant has not been reported in the literature. This variant is reported in 0.0080% of alleles in individuals of African descent in gnomAD. At this time, the clinical significance of this variant is uncertain due to the absence of conclusive functional and genetic evidence.

GeneDx
Classification: Uncertain significance. Last evaluated: 2024-11-27. Review status: criteria provided, single submitter. Criteria: GeneDx Variant Classification Process June 2021. Collection method: clinical testing. Allele origin: germline. Affected: yes.
Comment: Not observed at significant frequency in large population cohorts (gnomAD); In silico analysis indicates that this missense variant does not alter protein structure/function; Has not been previously published as pathogenic or benign to our knowledge

Baylor Genetics
Classification: Uncertain significance for Nephronophthisis 12. Last evaluated: 2020-06-08. Review status: criteria provided, single submitter. Criteria: ACMG Guidelines, 2015. Collection method: clinical testing. Allele origin: unknown. Affected: yes.
Comment: This variant was determined to be of uncertain significance according to ACMG Guidelines, 2015 [PMID:25741868].